The following is an entry in ClinVar:

ClinVar aggregate classification (germline): Likely pathogenic (1 of 4 stars; one submission).

Conditions:
Aortic aneurysm, familial thoracic 7 (AAT7). Also called: AORTIC DISSECTION, FAMILIAL, WITH OR WITHOUT AORTIC ANEURYSM. Identifiers: MedGen C3151077, MONDO:0013418, OMIM 613780.

Submission:

Labcorp Genetics (formerly Invitae), Labcorp
Classification: Likely pathogenic for Aortic aneurysm, familial thoracic 7. Last evaluated: 2025-12-24. Review status: criteria provided, single submitter. Criteria: Invitae Variant Classification Sherloc (09022015). Collection method: clinical testing. Allele origin: germline.
Comment: This sequence change affects a splice site in intron 20 of the MYLK gene. This variant occurs within the aortic-specific isoform of MYLK. Loss-of-function variants in the aortic-specific isoform of MYLK are known to be pathogenic for thoracic aortic dissections (PMID: 21055718). This variant is not present in population databases (gnomAD no frequency). This variant has not been reported in the literature in individuals affected with MYLK-related conditions. Algorithms developed to predict the effect of sequence changes on RNA splicing suggest that this variant may disrupt the consensus splice site. In summary, the currently available evidence indicates that the variant is pathogenic, but additional data are needed to prove that conclusively. Therefore, this variant has been classified as Likely Pathogenic.

Literature cited by the submitters: PubMed 21055718.

NM_053025.4(MYLK):c.3652+1del

Gene: MYLK (myosin light chain kinase; minus strand). Cytogenetic location: 3q21.1.
Variant type: Deletion.
Coding change: c.3652+1del on transcript NM_053025.4 (MANE Select); the canonical splice donor site of the intron after coding-DNA position 3652, one base deleted (G; older notation c.3652+1delG).
Molecular consequence: splice donor variant.
Genome position (GRCh38, 1-based): chr3:123,682,223, C deleted on the plus strand (G on the coding strand, the reverse complement: MYLK is on the minus strand). VCF-style (leftmost placement, unchanged base first): chr3-123682222-AC-A. GRCh37 (hg19) VCF-style: chr3-123401069-AC-A.
Other names: c.3124+1del (NM_001321309.2); c.3445+1del (NM_053028.4, NM_053026.4); c.3652+1del (NM_053027.4).
Identifiers: ClinVar variation 4734059 (VCV004734059.1).
Genomic context (GRCh38, chr3:123,682,222, plus strand): 5'-CAGTCCCCGGGGTGCCTGCCCCTGCCTCTGCCTCTGCCTGGTGAAGCTGGGCGAGTACTC[AC>A]TCTCAGTTCCTAGCACGGGAGGAAGAGAGCTCTTGGGCCTCCGGGATTTCATCTCTGGGG-3'